The following is an entry in ClinVar:

ClinVar aggregate classification (germline): Uncertain significance (1 of 4 stars; one submission).

Conditions:
Gastrointestinal stromal tumor. Also called: Gastrointestinal stromal tumor, somatic; Gastrointestinal stroma tumor. Identifiers: Orphanet 44890, MedGen C0238198, MeSH D046152, MONDO:0011719, OMIM 606764, HP:0100723.

Submission:

Labcorp Genetics (formerly Invitae), Labcorp
Classification: Uncertain significance for Gastrointestinal stromal tumor. Last evaluated: 2023-09-29. Review status: criteria provided, single submitter. Criteria: Invitae Variant Classification Sherloc (09022015). Collection method: clinical testing. Allele origin: germline.
Comment: This sequence change replaces asparagine, which is neutral and polar, with threonine, which is neutral and polar, at codon 163 of the PDGFRA protein (p.Asn163Thr). In summary, the available evidence is currently insufficient to determine the role of this variant in disease. Therefore, it has been classified as a Variant of Uncertain Significance. Advanced modeling of protein sequence and biophysical properties (such as structural, functional, and spatial information, amino acid conservation, physicochemical variation, residue mobility, and thermodynamic stability) performed at Invitae indicates that this missense variant is not expected to disrupt PDGFRA protein function. This variant has not been reported in the literature in individuals affected with PDGFRA-related conditions. This variant is not present in population databases (gnomAD no frequency).

NM_006206.6(PDGFRA):c.488A>C (p.Asn163Thr)

Gene: PDGFRA (platelet derived growth factor receptor alpha; plus strand). Cytogenetic location: 4q12.
Variant type: single nucleotide variant.
Coding change: c.488A>C on transcript NM_006206.6 (MANE Select); coding-DNA position 488, A replaced by C.
Protein change: p.Asn163Thr; replaces asparagine 163 with threonine.
Molecular consequence: missense variant.
Genome position (GRCh38, 1-based): chr4:54,263,787, A>C. VCF-style: chr4-54263787-A-C. GRCh37 (hg19) VCF-style: chr4-55129954-A-C.
Other names: c.488A>C, p.Asn163Thr (NM_001347827.2, NM_001347829.2); c.563A>C, p.Asn188Thr (NM_001347828.2); c.527A>C, p.Asn176Thr (NM_001347830.2); short protein forms N188T, N163T, N176T.
Identifiers: ClinVar variation 2764148 (VCV002764148.3), dbSNP rs1360565030, ClinGen allele CA356889930.